The following is an entry in ClinVar:

NM_001005273.3(CHD3):c.2450C>T (p.Thr817Met)

Gene: CHD3 (chromodomain helicase DNA binding protein 3; plus strand). Cytogenetic location: 17p13.1.
Variant type: single nucleotide variant.
Coding change: c.2450C>T on transcript NM_001005273.3 (MANE Select); coding-DNA position 2450, C replaced by T.
Protein change: p.Thr817Met; replaces threonine 817 with methionine.
Molecular consequence: missense variant.
Genome position (GRCh38, 1-based): chr17:7,899,449, C>T. VCF-style: chr17-7899449-C-T. GRCh37 (hg19) VCF-style: chr17-7802767-C-T.
Other names: c.2627C>T, p.Thr876Met (NM_001005271.3); c.2450C>T, p.Thr817Met (NM_005852.4); short protein forms T817M, T876M.
Identifiers: ClinVar variation 1707270 (VCV001707270.2), dbSNP rs1409595554, ClinGen allele CA397937874.

ClinVar aggregate classification (germline): Uncertain significance (1 of 4 stars; one submission).

Allele frequency attached by ClinVar (database versions not stated): gnomAD exomes below 0.00001.
gnomAD v4.1: 6 of 1,614,088 alleles (0.00037%); highest among the groups gnomAD compares: Non-Finnish European, 0.00042%; no homozygotes.

Submission:

GeneDx
Classification: Uncertain significance. Last evaluated: 2022-03-11. Review status: criteria provided, single submitter. Criteria: GeneDx Variant Classification Process June 2021. Collection method: clinical testing. Allele origin: germline. Affected: yes.
Comment: In silico analysis supports that this missense variant has a deleterious effect on protein structure/function; Has not been previously published as pathogenic or benign to our knowledge